The following is an entry in ClinVar:

ClinVar aggregate classification (germline): Likely benign. Review status: criteria provided, multiple submitters, no conflicts (2 of 4 stars). 4 submissions from 4 submitters: Likely benign (4). Last evaluated 2025-07-21.

Conditions:
Hereditary cancer-predisposing syndrome. Also called: Neoplastic Syndromes, Hereditary; Tumor predisposition; Hereditary Cancer Syndrome; Hereditary neoplastic syndrome. Identifiers: Orphanet 140162, MedGen C0027672, MeSH D009386, MONDO:0015356.
Familial cancer of breast. Also called: BREAST CANCER, FAMILIAL; hereditary breast carcinoma; Hereditary breast cancer. Identifiers: Orphanet 227535, MedGen C0346153, MONDO:0016419, OMIM 114480. Disease mechanism: loss of function.

Allele frequency attached by ClinVar (database versions not stated): TOPMed 0.00001.
gnomAD v4.1: 1 of 1,612,782 alleles (0.000062%); highest among the groups gnomAD compares: Admixed American, 0.0017%; no homozygotes.

Submissions (4):

Quest Diagnostics Nichols Institute San Juan Capistrano
Classification: Likely benign. Last evaluated: 2025-07-21. Review status: criteria provided, single submitter. Criteria: Quest Diagnostics criteria. Collection method: clinical testing. Allele origin: unknown.

Labcorp Genetics (formerly Invitae), Labcorp
Classification: Likely benign for Familial cancer of breast. Last evaluated: 2025-01-14. Review status: criteria provided, single submitter. Criteria: Invitae Variant Classification Sherloc (09022015). Collection method: clinical testing. Allele origin: germline.

Myriad Genetics, Inc.
Classification: Likely benign for Familial cancer of breast. Last evaluated: 2024-10-02. Review status: criteria provided, single submitter. Criteria: Myriad Autosomal Dominant, Autosomal Recessive and X-Linked Classification Criteria (2023). Collection method: clinical testing. Allele origin: unknown.
Comment: This variant is considered likely benign. This variant is intronic and is not expected to impact mRNA splicing.

Color Diagnostics, LLC DBA Color Health
Classification: Likely benign for Hereditary cancer-predisposing syndrome. Last evaluated: 2018-03-24. Review status: criteria provided, single submitter. Criteria: ACMG Guidelines, 2015. Collection method: clinical testing. Allele origin: germline.

NM_007194.4(CHEK2):c.319+8C>G

Gene: CHEK2 (checkpoint kinase 2; minus strand). Cytogenetic location: 22q12.1.
Variant type: single nucleotide variant.
Coding change: c.319+8C>G on transcript NM_007194.4 (MANE Select); 8 bases into the intron after coding-DNA position 319, C replaced by G.
Molecular consequence: intron variant.
Genome position (GRCh38, 1-based): chr22:28,734,395, G>C on the plus strand (C>G on the coding strand, the complement: CHEK2 is on the minus strand). VCF-style: chr22-28734395-G-C. GRCh37 (hg19) VCF-style: chr22-29130383-G-C.
Other names: c.-345+7374C>G (NM_001437942.1); c.319+8C>G (NM_001349956.3, NM_145862.3, NM_001438295.1 and 3 more transcripts); c.-459+8C>G (NM_001257387.3).
Identifiers: ClinVar variation 460825 (VCV000460825.14), dbSNP rs776443322, ClinGen allele CA658656843.